The following is an entry in ClinVar:

ClinVar aggregate classification (germline): Uncertain significance. Review status: criteria provided, multiple submitters, no conflicts (2 of 4 stars). 4 submissions from 4 submitters: Uncertain significance (4). Last evaluated 2025-07-08.

Conditions:
SLC17A8-related disorder. Also called: SLC17A8-related condition.
Inborn genetic diseases. Identifiers: MedGen C0950123, MeSH D030342.
Autosomal dominant nonsyndromic hearing loss 25. Identifiers: Orphanet 90635, MedGen C1854158, MONDO:0011568, OMIM 605583.

Allele frequency attached by ClinVar (database versions not stated): ExAC 0.00002; gnomAD exomes 0.00002; TOPMed 0.00002.
gnomAD v4.1: 10 of 1,614,088 alleles (0.00062%); highest among the groups gnomAD compares: Admixed American, 0.012%; no homozygotes.

Submissions (4):

Labcorp Genetics (formerly Invitae), Labcorp
Classification: Uncertain significance. Last evaluated: 2025-07-08. Review status: criteria provided, single submitter. Criteria: Invitae Variant Classification Sherloc (09022015). Collection method: clinical testing. Allele origin: germline.
Comment: This sequence change replaces lysine, which is basic and polar, with threonine, which is neutral and polar, at codon 74 of the SLC17A8 protein (p.Lys74Thr). This variant is present in population databases (rs748939449, gnomAD 0.01%). This variant has not been reported in the literature in individuals affected with SLC17A8-related conditions. ClinVar contains an entry for this variant (Variation ID: 306624). Invitae Evidence Modeling of protein sequence and biophysical properties (such as structural, functional, and spatial information, amino acid conservation, physicochemical variation, residue mobility, and thermodynamic stability) indicates that this missense variant is not expected to disrupt SLC17A8 protein function with a negative predictive value of 80%. In summary, the available evidence is currently insufficient to determine the role of this variant in disease. Therefore, it has been classified as a Variant of Uncertain Significance.

PreventionGenetics, part of Exact Sciences
Classification: Uncertain significance for SLC17A8-related condition. Last evaluated: 2025-01-05. Review status: criteria provided, single submitter. Criteria: ACMG Guidelines, 2015. Collection method: clinical testing. Allele origin: germline.
Comment: The SLC17A8 c.221A>C variant is predicted to result in the amino acid substitution p.Lys74Thr. To our knowledge, this variant has not been reported in the literature. This variant is reported in 0.012% of alleles in individuals of Latino descent in gnomAD. Although we suspect that this variant may be benign, at this time, the clinical significance of this variant is uncertain due to the absence of conclusive functional and genetic evidence.

Ambry Genetics
Classification: Uncertain significance for Inborn genetic diseases. Last evaluated: 2021-09-17. Review status: criteria provided, single submitter. Criteria: Ambry Variant Classification Scheme 2023. Collection method: clinical testing. Allele origin: germline.

Illumina Laboratory Services, Illumina
Classification: Uncertain significance for Autosomal dominant nonsyndromic hearing loss 25. Last evaluated: 2018-01-13. Review status: criteria provided, single submitter. Criteria: ICSL Variant Classification Criteria 13 December 2019. Collection method: clinical testing. Allele origin: germline.

NM_139319.3(SLC17A8):c.221A>C (p.Lys74Thr)

Gene: SLC17A8 (solute carrier family 17 member 8; plus strand). Cytogenetic location: 12q23.1.
Variant type: single nucleotide variant.
Coding change: c.221A>C on transcript NM_139319.3 (MANE Select); coding-DNA position 221, A replaced by C.
Protein change: p.Lys74Thr; replaces lysine 74 with threonine.
Molecular consequence: missense variant.
Genome position (GRCh38, 1-based): chr12:100,380,820, A>C. VCF-style: chr12-100380820-A-C. GRCh37 (hg19) VCF-style: chr12-100774598-A-C.
Other names: c.221A>C, p.Lys74Thr (NM_001145288.2); short protein forms K74T.
Identifiers: ClinVar variation 306624 (VCV000306624.9), dbSNP rs748939449, ClinGen allele CA6738700.